The following is an entry in ClinVar:

NM_001287.6(CLCN7):c.1984C>A (p.Pro662Thr)

Gene: CLCN7 (chloride voltage-gated channel 7; minus strand). Cytogenetic location: 16p13.3.
Variant type: single nucleotide variant.
Coding change: c.1984C>A on transcript NM_001287.6 (MANE Select); coding-DNA position 1984, C replaced by A.
Protein change: p.Pro662Thr; replaces proline 662 with threonine.
Molecular consequence: missense variant.
Genome position (GRCh38, 1-based): chr16:1,448,384, G>T on the plus strand (C>A on the coding strand, the complement: CLCN7 is on the minus strand). VCF-style: chr16-1448384-G-T. GRCh37 (hg19) VCF-style: chr16-1498385-G-T.
Other names: c.1912C>A, p.Pro638Thr (NM_001114331.3); c.1984C>A (NM_001287.4); short protein forms P662T, P638T.
Identifiers: ClinVar variation 1375468 (VCV001375468.7), dbSNP rs769158352, ClinGen allele CA7809964.

ClinVar aggregate classification (germline): Uncertain significance. Review status: criteria provided, multiple submitters, no conflicts (2 of 4 stars). 2 submissions from 2 submitters: Uncertain significance (2). Last evaluated 2026-01-26.

Conditions:
Inborn genetic diseases. Identifiers: MedGen C0950123, MeSH D030342.

Allele frequency attached by ClinVar (database versions not stated): gnomAD exomes 0.00001; ExAC 0.00002; gnomAD 0.00003; TOPMed 0.00003; 1000 Genomes Project 30x 0.00031.

Submissions (2):

Labcorp Genetics (formerly Invitae), Labcorp
Classification: Uncertain significance. Last evaluated: 2026-01-26. Review status: criteria provided, single submitter. Criteria: Invitae Variant Classification Sherloc (09022015). Collection method: clinical testing. Allele origin: germline.
Comment: This sequence change replaces proline, which is neutral and non-polar, with threonine, which is neutral and polar, at codon 662 of the CLCN7 protein (p.Pro662Thr). This variant is present in population databases (rs769158352, gnomAD 0.03%). This variant has not been reported in the literature in individuals affected with CLCN7-related conditions. ClinVar contains an entry for this variant (Variation ID: 1375468). Invitae Evidence Modeling of protein sequence and biophysical properties (such as structural, functional, and spatial information, amino acid conservation, physicochemical variation, residue mobility, and thermodynamic stability) indicates that this missense variant is expected to disrupt CLCN7 protein function with a positive predictive value of 95%. In summary, the available evidence is currently insufficient to determine the role of this variant in disease. Therefore, it has been classified as a Variant of Uncertain Significance.

Ambry Genetics
Classification: Uncertain significance for Inborn genetic diseases. Last evaluated: 2021-07-06. Review status: criteria provided, single submitter. Criteria: Ambry Variant Classification Scheme 2023. Collection method: clinical testing. Allele origin: germline.